The following is an entry in ClinVar:

NM_016213.5(TRIP4):c.1484-2A>C

Gene: TRIP4 (thyroid hormone receptor interactor 4; plus strand). Cytogenetic location: 15q22.31.
Variant type: single nucleotide variant.
Coding change: c.1484-2A>C on transcript NM_016213.5 (MANE Select); the canonical splice acceptor site of the intron before coding-DNA position 1484, A replaced by C.
Molecular consequence: splice acceptor variant.
Genome position (GRCh38, 1-based): chr15:64,425,538, A>C. VCF-style: chr15-64425538-A-C. GRCh37 (hg19) VCF-style: chr15-64717737-A-C.
Other names: c.794-2A>C (NM_001321924.2).
Identifiers: ClinVar variation 1494475 (VCV001494475.6), dbSNP rs2140301381, ClinGen allele CA392825034.

ClinVar aggregate classification (germline): Likely pathogenic (1 of 4 stars; one submission).

Submission:

Labcorp Genetics (formerly Invitae), Labcorp
Classification: Likely pathogenic. Last evaluated: 2022-01-13. Review status: criteria provided, single submitter. Criteria: Invitae Variant Classification Sherloc (09022015). Collection method: clinical testing. Allele origin: germline.
Comment: This variant has not been reported in the literature in individuals affected with TRIP4-related conditions. In summary, the currently available evidence indicates that the variant is pathogenic, but additional data are needed to prove that conclusively. Therefore, this variant has been classified as Likely Pathogenic. Algorithms developed to predict the effect of sequence changes on RNA splicing suggest that this variant may disrupt the consensus splice site. This variant is not present in population databases (gnomAD no frequency). This sequence change affects an acceptor splice site in intron 10 of the TRIP4 gene. It is expected to disrupt RNA splicing. Variants that disrupt the donor or acceptor splice site typically lead to a loss of protein function (PMID: 16199547), and loss-of-function variants in TRIP4 are known to be pathogenic (PMID: 26924529, 27008887).

Literature cited by the submitters: PubMed 16199547; PubMed 26924529; PubMed 27008887.